The following is an entry in ClinVar:

ClinVar aggregate classification (germline): Uncertain significance (1 of 4 stars; one submission).

Conditions:
Inflammatory skin and bowel disease, neonatal, 1. Identifiers: Orphanet 294023, MedGen C3280501, MONDO:0013693, OMIM 614328.

Submission:

Labcorp Genetics (formerly Invitae), Labcorp
Classification: Uncertain significance for Inflammatory skin and bowel disease, neonatal, 1. Last evaluated: 2022-03-24. Review status: criteria provided, single submitter. Criteria: Invitae Variant Classification Sherloc (09022015). Collection method: clinical testing. Allele origin: germline.
Comment: This variant is not present in population databases (gnomAD no frequency). This variant has not been reported in the literature in individuals affected with ADAM17-related conditions. Algorithms developed to predict the effect of missense changes on protein structure and function are either unavailable or do not agree on the potential impact of this missense change (SIFT: "Not Available"; PolyPhen-2: "Possibly Damaging"; Align-GVGD: "Not Available"). In summary, the available evidence is currently insufficient to determine the role of this variant in disease. Therefore, it has been classified as a Variant of Uncertain Significance. This sequence change replaces aspartic acid, which is acidic and polar, with glutamic acid, which is acidic and polar, at codon 256 of the ADAM17 protein (p.Asp256Glu).

NM_003183.6(ADAM17):c.768C>A (p.Asp256Glu)

Gene: ADAM17 (ADAM metallopeptidase domain 17; minus strand). Cytogenetic location: 2p25.1.
Variant type: single nucleotide variant.
Coding change: c.768C>A on transcript NM_003183.6 (MANE Select); coding-DNA position 768, C replaced by A.
Protein change: p.Asp256Glu; replaces aspartic acid 256 with glutamic acid.
Molecular consequence: missense variant. On other transcripts: 5 prime UTR variant (1).
Genome position (GRCh38, 1-based): chr2:9,523,324, G>T on the plus strand (C>A on the coding strand, the complement: ADAM17 is on the minus strand). VCF-style: chr2-9523324-G-T. GRCh37 (hg19) VCF-style: chr2-9663453-G-T.
Other names: c.108C>A, p.Asp36Glu (NM_001382777.1); c.-135C>A (NM_001382778.1); short protein forms D256E, D36E.
Identifiers: ClinVar variation 1402141 (VCV001402141.6), dbSNP rs2125023411, ClinGen allele CA345781745.